The following is an entry in ClinVar:

NM_001365276.2(TNXB):c.4250G>A (p.Arg1417His)

Gene: TNXB (tenascin XB; minus strand). Cytogenetic location: 6p21.33.
Variant type: single nucleotide variant.
Coding change: c.4250G>A on transcript NM_001365276.2 (MANE Select); coding-DNA position 4250, G replaced by A.
Protein change: p.Arg1417His; replaces arginine 1417 with histidine.
Molecular consequence: missense variant.
Genome position (GRCh38, 1-based): chr6:32,079,158, C>T on the plus strand (G>A on the coding strand, the complement: TNXB is on the minus strand). VCF-style: chr6-32079158-C-T. GRCh37 (hg19) VCF-style: chr6-32046935-C-T.
Other names: c.4250G>A, p.Arg1417His (NM_019105.8); short protein forms R1417H.
Identifiers: ClinVar variation 1739091 (VCV001739091.3), dbSNP rs777054871, ClinGen allele CA3734996.

ClinVar aggregate classification (germline): Uncertain significance (1 of 4 stars; one submission).

Conditions:
Cardiovascular phenotype. Identifiers: MedGen CN230736.

Allele frequency attached by ClinVar (database versions not stated): ExAC 0.00001; gnomAD exomes 0.00001; TOPMed 0.00003; gnomAD 0.00008.
gnomAD v4.1: 28 of 1,613,762 alleles (0.0017%); highest among the groups gnomAD compares: African/African-American, 0.004%; no homozygotes.

Submission:

Ambry Genetics
Classification: Uncertain significance for Cardiovascular phenotype. Last evaluated: 2025-07-09. Review status: criteria provided, single submitter. Criteria: Ambry Variant Classification Scheme 2023. Collection method: clinical testing. Allele origin: germline.
Comment: The p.R1417H variant (also known as c.4250G>A), located in coding exon 10 of the TNXB gene, results from a G to A substitution at nucleotide position 4250. The arginine at codon 1417 is replaced by histidine, an amino acid with highly similar properties. This amino acid position is highly conserved in available vertebrate species. In addition, this alteration is predicted to be tolerated by in silico analysis. Since supporting evidence is limited at this time, the clinical significance of this alteration remains unclear.